The following is an entry in ClinVar:

NM_001292063.2(OTOG):c.7686C>G (p.Tyr2562Ter)

Gene: OTOG (otogelin; plus strand). Cytogenetic location: 11p15.1.
Variant type: single nucleotide variant.
Coding change: c.7686C>G on transcript NM_001292063.2 (MANE Select); coding-DNA position 7686, C replaced by G.
Protein change: p.Tyr2562Ter; replaces tyrosine 2562 with a stop codon.
Molecular consequence: nonsense.
Genome position (GRCh38, 1-based): chr11:17,635,180, C>G. VCF-style: chr11-17635180-C-G. GRCh37 (hg19) VCF-style: chr11-17656727-C-G.
Other names: c.7722C>G, p.Tyr2574Ter (NM_001277269.2); short protein forms Y2562*, Y2574*.
Identifiers: ClinVar variation 2445644 (VCV002445644.1), dbSNP rs982536669, ClinGen allele CA379813112.

ClinVar aggregate classification (germline): Pathogenic (1 of 4 stars; one submission).

Conditions:
Autosomal recessive nonsyndromic hearing loss 18B. Also called: Deafness, autosomal recessive 18b. Identifiers: Orphanet 90636, MedGen C3554163, MONDO:0013985, OMIM 614945.

gnomAD v4.1: 4 of 1,543,958 alleles (0.00026%); highest among the groups gnomAD compares: East Asian, 0.0098%; no homozygotes.

Submission:

King Laboratory, University of Washington
Classification: Pathogenic for Autosomal recessive nonsyndromic hearing loss 18B. Last evaluated: 2023-02-28. Review status: criteria provided, single submitter. Criteria: Li et al. (Genet Med. 2022). Collection method: research. Allele origin: unknown. Affected: yes.
Comment: This variant occurred in compound heterozygosity with an OTOG nonsense variant in a patient with bilateral sensorineural hearing loss of onset <18 years, in a study of pediatric hearing loss conducted by the King Laboratory (Carlson RJ et al. JAMA-OtoHNS 2023). This variant is a single base pair deletion that introduces a premature stop at position 2562 of 2925 in the OTOG protein. As of January 2023, this variant has not been reported to ClinVar and is not found on gnomAD. Based on the prediction that this variant leads to a truncated protein, compound heterozygosity with a loss-of-function variant, and goodness of fit of genotype to phenotype, we conclude that this variant is pathogenic.

Literature cited by the submitters: PubMed 36633841.